The following is an entry in ClinVar:

NM_017838.4(NHP2):c.86T>G (p.Val29Gly)

Gene: NHP2 (NHP2 ribonucleoprotein; minus strand). Cytogenetic location: 5q35.3.
Variant type: single nucleotide variant.
Coding change: c.86T>G on transcript NM_017838.4 (MANE Select); coding-DNA position 86, T replaced by G.
Protein change: p.Val29Gly; replaces valine 29 with glycine.
Molecular consequence: missense variant.
Genome position (GRCh38, 1-based): chr5:178,153,732, A>C on the plus strand (T>G on the coding strand, the complement: NHP2 is on the minus strand). VCF-style: chr5-178153732-A-C. GRCh37 (hg19) VCF-style: chr5-177580733-A-C.
Other names: c.86T>G, p.Val29Gly (NM_001034833.2, NM_001396110.1); short protein forms V29G.
Identifiers: ClinVar variation 4697556 (VCV004697556.1).

ClinVar aggregate classification (germline): Uncertain significance (1 of 4 stars; one submission).

Conditions:
Dyskeratosis congenita. Identifiers: Orphanet 1775, MedGen C0265965, MONDO:0015780.

Submission:

Labcorp Genetics (formerly Invitae), Labcorp
Classification: Uncertain significance for Dyskeratosis congenita. Last evaluated: 2025-02-12. Review status: criteria provided, single submitter. Criteria: Invitae Variant Classification Sherloc (09022015). Collection method: clinical testing. Allele origin: germline.
Comment: This sequence change replaces valine, which is neutral and non-polar, with glycine, which is neutral and non-polar, at codon 29 of the NHP2 protein (p.Val29Gly). This variant is present in population databases (no rsID available, gnomAD 0.006%). This variant has not been reported in the literature in individuals affected with NHP2-related conditions. An algorithm developed to predict the effect of missense changes on protein structure and function (PolyPhen-2) suggests that this variant is likely to be tolerated. In summary, the available evidence is currently insufficient to determine the role of this variant in disease. Therefore, it has been classified as a Variant of Uncertain Significance.